The following is an entry in ClinVar:

NM_001035.3(RYR2):c.13195A>G (p.Asn4399Asp)

Genes: RYR2 (ryanodine receptor 2; plus strand), LOC126806068 (BRD4-independent group 4 enhancer GRCh37_chr1:237947411-237948610; plus strand). Cytogenetic location: 1q43.
Variant type: single nucleotide variant.
Coding change: c.13195A>G on transcript NM_001035.3 (MANE Select); coding-DNA position 13195, A replaced by G.
Protein change: p.Asn4399Asp; replaces asparagine 4399 with aspartic acid.
Molecular consequence: missense variant.
Genome position (GRCh38, 1-based): chr1:237,784,907, A>G. VCF-style: chr1-237784907-A-G. GRCh37 (hg19) VCF-style: chr1-237948207-A-G.
Other names: c.13195A>G, p.Asn4399Asp (LRG_402t1); short protein forms N4399D.
Identifiers: ClinVar variation 463563 (VCV000463563.14), dbSNP rs764884250, ClinGen allele CA085305.

ClinVar aggregate classification (germline): Conflicting classifications of pathogenicity. Review status: criteria provided, conflicting classifications (1 of 4 stars). 3 submissions from 3 submitters: Uncertain significance (2); Likely benign (1). Last evaluated 2025-11-12.

Conditions:
Cardiovascular phenotype. Identifiers: MedGen CN230736.
Catecholaminergic polymorphic ventricular tachycardia (CVPT). Also called: Catecholamine-induced polymorphic ventricular tachycardia. Identifiers: Orphanet 3286, MedGen C5574922, MONDO:0017990.
Catecholaminergic polymorphic ventricular tachycardia 1. Also called: VENTRICULAR TACHYCARDIA, STRESS-INDUCED POLYMORPHIC 1; VENTRICULAR TACHYCARDIA, CATECHOLAMINERGIC POLYMORPHIC, 1, WITH OR WITHOUT ATRIAL DYSFUNCTION AND/OR DILATED CARDIOMYOPATHY; RYR2-Related Catecholaminergic Polymorphic Ventricular Tachycardia. Identifiers: Orphanet 3286, MedGen C1631597, MONDO:0011484, OMIM 604772.

Allele frequency attached by ClinVar (database versions not stated): gnomAD exomes 0.00001; ExAC 0.00002; gnomAD 0.00002; TOPMed 0.00002.
gnomAD v4.1: 7 of 1,611,234 alleles (0.00043%); highest among the groups gnomAD compares: African/African-American, 0.008%; no homozygotes.

Submissions (3):

Labcorp Genetics (formerly Invitae), Labcorp
Classification: Likely benign for Catecholaminergic polymorphic ventricular tachycardia 1. Last evaluated: 2025-11-12. Review status: criteria provided, single submitter. Criteria: Invitae Variant Classification Sherloc (09022015). Collection method: clinical testing. Allele origin: germline.

All of Us Research Program, National Institutes of Health
Classification: Uncertain significance for Catecholaminergic polymorphic ventricular tachycardia. Last evaluated: 2024-05-09. Review status: criteria provided, single submitter. Criteria: ACMG Guidelines, 2015. Collection method: clinical testing. Allele origin: germline. Inheritance: Autosomal dominant inheritance. Observed: 1 variant allele, 1 heterozygote.
Comment: This study involves interpretation of variants in research participants for the purpose of population health screening. Participant phenotype was not available at the time of variant classification. Additional details can be found in publication PMID: 35346344, PMCID: PMC8962531

Ambry Genetics
Classification: Uncertain significance for Cardiovascular phenotype. Last evaluated: 2023-02-03. Review status: criteria provided, single submitter. Criteria: Ambry Variant Classification Scheme 2023. Collection method: clinical testing. Allele origin: germline.
Comment: The p.N4399D variant (also known as c.13195A>G), located in coding exon 90 of the RYR2 gene, results from an A to G substitution at nucleotide position 13195. The asparagine at codon 4399 is replaced by aspartic acid, an amino acid with highly similar properties. This amino acid position is highly conserved in available vertebrate species. In addition, this alteration is predicted to be tolerated by in silico analysis. Since supporting evidence is limited at this time, the clinical significance of this alteration remains unclear.